The following is an entry in ClinVar:

ClinVar aggregate classification (germline): Uncertain significance (1 of 4 stars; one submission).

Conditions:
Inborn genetic diseases. Identifiers: MedGen C0950123, MeSH D030342.

Submission:

Ambry Genetics
Classification: Uncertain significance for Inborn genetic diseases. Last evaluated: 2024-10-11. Review status: criteria provided, single submitter. Criteria: Ambry Variant Classification Scheme 2023. Collection method: clinical testing. Allele origin: germline.
Comment: The p.V64M variant (also known as c.190G>A), located in coding exon 2 of the MDH2 gene, results from a G to A substitution at nucleotide position 190. The valine at codon 64 is replaced by methionine, an amino acid with highly similar properties. This amino acid position is conserved. In addition, the in silico prediction for this alteration is inconclusive. Based on the available evidence, the clinical significance of this variant remains unclear.

NM_005918.4(MDH2):c.190G>A (p.Val64Met)

Gene: MDH2 (malate dehydrogenase 2; plus strand). Cytogenetic location: 7q11.23.
Variant type: single nucleotide variant.
Coding change: c.190G>A on transcript NM_005918.4 (MANE Select); coding-DNA position 190, G replaced by A.
Protein change: p.Val64Met; replaces valine 64 with methionine.
Molecular consequence: missense variant. On other transcripts: intron variant (1).
Genome position (GRCh38, 1-based): chr7:76,054,953, G>A. VCF-style: chr7-76054953-G-A. GRCh37 (hg19) VCF-style: chr7-75684271-G-A.
Other names: c.190G>A, p.Val64Met (NM_001282403.2); c.-86-2457G>A (NM_001282404.2); short protein forms V64M.
Identifiers: ClinVar variation 3394053 (VCV003394053.1).